The following is an entry in ClinVar:

ClinVar aggregate classification (germline): Conflicting classifications of pathogenicity. Review status: criteria provided, conflicting classifications (1 of 4 stars). 6 submissions from 6 submitters: Uncertain significance (2); Benign (2); Likely benign (2). Last evaluated 2026-01-09.

Conditions:
Collagen 6-related myopathy. Identifiers: MedGen CN117976, MONDO:0100225.
Inborn genetic diseases. Identifiers: MedGen C0950123, MeSH D030342.
Bethlem myopathy 1A. Also called: MYOPATHY, BENIGN CONGENITAL, WITH CONTRACTURES; Bethlem myopathy 1; Bethlem Muscular Dystrophy. Identifiers: Orphanet 610, MedGen CN029274, MONDO:0024530, OMIM 158810.
Dystonia 27 (DYT27). Identifiers: Orphanet 464440, MedGen C4225336, MONDO:0014627, OMIM 616411.

Allele frequency attached by ClinVar (database versions not stated): gnomAD exomes 0.00017 and 0.00041; gnomAD 0.00019 and 0.00025; TOPMed 0.00026; ExAC 0.00047; 1000 Genomes Project 30x 0.00078; 1000 Genomes Project 0.00100.
gnomAD v4.1: 293 of 1,614,132 alleles (0.018%); highest among the groups gnomAD compares: East Asian, 0.43%; no homozygotes.

Submissions (6):

Labcorp Genetics (formerly Invitae), Labcorp
Classification: Benign for Bethlem myopathy 1A. Last evaluated: 2026-01-09. Review status: criteria provided, single submitter. Criteria: Invitae Variant Classification Sherloc (09022015). Collection method: clinical testing. Allele origin: germline.

Blueprint Genetics
Classification: Likely benign. Last evaluated: 2024-04-04. Review status: criteria provided, single submitter. Criteria: ACMG Guidelines, 2015. Collection method: clinical testing. Allele origin: germline.

Ambry Genetics
Classification: Likely benign for Inborn genetic diseases. Last evaluated: 2024-01-17. Review status: criteria provided, single submitter. Criteria: Ambry Variant Classification Scheme 2023. Collection method: clinical testing. Allele origin: germline.

Department of Neurology, Xijing Hospital, Fourth Military Medical University
Classification: Uncertain significance for Dystonia 27. Last evaluated: 2022-10-22. Review status: criteria provided, single submitter. Criteria: ACMG Guidelines, 2015. Collection method: clinical testing. Allele origin: germline.

Illumina Laboratory Services, Illumina
Classification: Benign for Collagen VI-related myopathy. Last evaluated: 2018-01-12. Review status: criteria provided, single submitter. Criteria: ICSL Variant Classification Criteria 13 December 2019. Collection method: clinical testing. Allele origin: germline.
Comment: This variant was observed in the ICSL laboratory as part of a predisposition screen in an ostensibly healthy population. It had not been previously curated by ICSL or reported in the Human Gene Mutation Database (HGMD: prior to June 1st, 2018), and was therefore a candidate for classification through an automated scoring system. Utilizing variant allele frequency, disease prevalence and penetrance estimates, and inheritance mode, an automated score was calculated to assess if this variant is too frequent to cause the disease. Based on the score and internal cut-off values, a variant classified as benign is not then subjected to further curation. The score for this variant resulted in a classification of benign for this disease.

Eurofins Ntd Llc (ga)
Classification: Uncertain significance. Last evaluated: 2016-06-14. Review status: criteria provided, single submitter. Criteria: EGL Classification Definitions 2015. Collection method: clinical testing. Allele origin: germline. Observed: 1 variant allele, 1 heterozygote.

NM_004369.4(COL6A3):c.1065C>T (p.Ala355=)

Gene: COL6A3 (collagen type VI alpha 3 chain; minus strand). Cytogenetic location: 2q37.3.
Variant type: single nucleotide variant.
Coding change: c.1065C>T on transcript NM_004369.4 (MANE Select); coding-DNA position 1065, C replaced by T.
Protein change: p.Ala355=; no amino-acid change (alanine 355 retained).
Molecular consequence: synonymous variant. On other transcripts: intron variant (2).
Genome position (GRCh38, 1-based): chr2:237,387,829, G>A on the plus strand (C>T on the coding strand, the complement: COL6A3 is on the minus strand). VCF-style: chr2-237387829-G-A. GRCh37 (hg19) VCF-style: chr2-238296472-G-A.
Other names: c.447C>T, p.Ala149= (NM_057165.5, NM_057167.4); c.92-6330C>T (NM_057166.5, NM_057164.5).
Identifiers: ClinVar variation 288602 (VCV000288602.23), dbSNP rs115155458, ClinGen allele CA2189717.